The following is an entry in ClinVar:

NM_001999.4(FBN2):c.2864-102T>C

Gene: FBN2 (fibrillin 2; minus strand). Cytogenetic location: 5q23.3.
Variant type: single nucleotide variant.
Coding change: c.2864-102T>C on transcript NM_001999.4 (MANE Select); 102 bases into the intron before coding-DNA position 2864, T replaced by C.
Molecular consequence: intron variant.
Genome position (GRCh38, 1-based): chr5:128,349,574, A>G on the plus strand (T>C on the coding strand, the complement: FBN2 is on the minus strand). VCF-style: chr5-128349574-A-G. GRCh37 (hg19) VCF-style: chr5-127685266-A-G.
Identifiers: ClinVar variation 676603 (VCV000676603.1), dbSNP rs114090698, ClinGen allele CA127021635.

ClinVar aggregate classification (germline): Likely benign (1 of 4 stars; one submission).

Allele frequency attached by ClinVar (database versions not stated): gnomAD exomes 0.00056; 1000 Genomes Project 30x 0.00547; 1000 Genomes Project 0.00559; gnomAD 0.00605 and 0.00654; TOPMed 0.00734.
gnomAD v4.1: 1,600 of 1,318,142 alleles (0.12%); highest among the groups gnomAD compares: African/African-American, 2%; 21 homozygotes.

Submission:

GeneDx
Classification: Likely benign. Last evaluated: 2018-06-14. Review status: criteria provided, single submitter. Criteria: GeneDx Variant Classification (06012015). Collection method: clinical testing. Allele origin: germline. Affected: yes.
Comment: This variant is considered likely benign or benign based on one or more of the following criteria: it is a conservative change, it occurs at a poorly conserved position in the protein, it is predicted to be benign by multiple in silico algorithms, and/or has population frequency not consistent with disease.